The following is an entry in ClinVar:

ClinVar aggregate classification (germline): Uncertain significance. Review status: criteria provided, multiple submitters, no conflicts (2 of 4 stars). 2 submissions from 2 submitters: Uncertain significance (2). Last evaluated 2025-03-04.

Conditions:
SLC5A7-related disorder. Also called: SLC5A7-related condition.

Submissions (2):

Revvity Omics, Revvity
Classification: Uncertain significance. Last evaluated: 2025-03-04. Review status: criteria provided, single submitter. Criteria: ACMG Guidelines, 2015. Collection method: clinical testing. Allele origin: germline.

PreventionGenetics, part of Exact Sciences
Classification: Uncertain significance for SLC5A7-related condition. Last evaluated: 2023-04-18. Review status: criteria provided, single submitter. Criteria: ACMG Guidelines, 2015. Collection method: clinical testing. Allele origin: germline.
Comment: The SLC5A7 c.1143G>A variant is predicted to result in the amino acid substitution p.Met381Ile. This variant was reported as de novo variant in an individual with schizophrenia (Table S1, Fromer et al 2014. PubMed ID: 24463507). This variant has not been reported in a large population database, indicating this variant is rare. At this time, the clinical significance of this variant is uncertain due to the absence of conclusive functional and genetic evidence.

NM_021815.5(SLC5A7):c.1143G>A (p.Met381Ile)

Gene: SLC5A7 (solute carrier family 5 member 7; plus strand). Cytogenetic location: 2q12.3.
Variant type: single nucleotide variant.
Coding change: c.1143G>A on transcript NM_021815.5 (MANE Select); coding-DNA position 1143, G replaced by A.
Protein change: p.Met381Ile; replaces methionine 381 with isoleucine.
Molecular consequence: missense variant.
Genome position (GRCh38, 1-based): chr2:108,010,261, G>A. VCF-style: chr2-108010261-G-A. GRCh37 (hg19) VCF-style: chr2-108626717-G-A.
Other names: c.1143G>A, p.Met381Ile (NM_001305005.3); c.828G>A, p.Met276Ile (NM_001305006.3); c.402G>A, p.Met134Ile (NM_001305007.3); short protein forms M134I, M276I, M381I.
Identifiers: ClinVar variation 2633162 (VCV002633162.2), dbSNP rs2467131671, ClinGen allele CA348113943.